The following is an entry in ClinVar:

ClinVar aggregate classification (germline): Uncertain significance. Review status: criteria provided, multiple submitters, no conflicts (2 of 4 stars). 3 submissions from 3 submitters: Uncertain significance (3). Last evaluated 2022-04-18.

Conditions:
Inborn genetic diseases. Identifiers: MedGen C0950123, MeSH D030342.
Glycine encephalopathy. Also called: Nonketotic hyperglycinemia; Non-ketotic hyperglycinemia. Identifiers: Orphanet 407, MedGen C0751748, MONDO:0011612, HP:0008288.

Allele frequency attached by ClinVar (database versions not stated): ExAC 0.00005.
gnomAD v4.1: 32 of 1,612,558 alleles (0.002%); highest among the groups gnomAD compares: South Asian, 0.0066%; no homozygotes.

Submissions (3):

Labcorp Genetics (formerly Invitae), Labcorp
Classification: Uncertain significance for Glycine encephalopathy. Last evaluated: 2022-04-18. Review status: criteria provided, single submitter. Criteria: Invitae Variant Classification Sherloc (09022015). Collection method: clinical testing. Allele origin: germline.
Comment: This sequence change replaces alanine, which is neutral and non-polar, with threonine, which is neutral and polar, at codon 204 of the GLDC protein (p.Ala204Thr). This variant is present in population databases (rs757620314, gnomAD 0.01%). This variant has not been reported in the literature in individuals affected with GLDC-related conditions. Advanced modeling of protein sequence and biophysical properties (such as structural, functional, and spatial information, amino acid conservation, physicochemical variation, residue mobility, and thermodynamic stability) performed at Invitae indicates that this missense variant is expected to disrupt GLDC protein function. In summary, the available evidence is currently insufficient to determine the role of this variant in disease. Therefore, it has been classified as a Variant of Uncertain Significance.

Blueprint Genetics
Classification: Uncertain significance. Last evaluated: 2021-08-27. Review status: criteria provided, single submitter. Criteria: ACMG Guidelines, 2015. Collection method: clinical testing. Allele origin: germline.

Ambry Genetics
Classification: Uncertain significance for Inborn genetic diseases. Last evaluated: 2021-06-22. Review status: criteria provided, single submitter. Criteria: Ambry Variant Classification Scheme 2023. Collection method: clinical testing. Allele origin: germline.

NM_000170.3(GLDC):c.610G>A (p.Ala204Thr)

Gene: GLDC (glycine decarboxylase; minus strand). Cytogenetic location: 9p24.1.
Variant type: single nucleotide variant.
Coding change: c.610G>A on transcript NM_000170.3 (MANE Select); coding-DNA position 610, G replaced by A.
Protein change: p.Ala204Thr; replaces alanine 204 with threonine.
Molecular consequence: missense variant.
Genome position (GRCh38, 1-based): chr9:6,610,217, C>T on the plus strand (G>A on the coding strand, the complement: GLDC is on the minus strand). VCF-style: chr9-6610217-C-T. GRCh37 (hg19) VCF-style: chr9-6610217-C-T.
Other names: short protein forms A204T.
Identifiers: ClinVar variation 2057476 (VCV002057476.3), dbSNP rs757620314, ClinGen allele CA4981082.
Genomic context (GRCh38, chr9:6,610,217, plus strand): 5'-CAACTGGAATTCCAGCACTTTGAGAGGCCTCTCACCTGTAGCACAGCTGCAGTGCCTCTG[C>T]GGCTGCAGTCCCCTCATCCAGCAGGGATGCATTGGCCATGTCCAGGCCTGTGATGTCACA-3'
Protein context (NP_000161.2, residues 194-214): ASLLDEGTAA[Ala204Thr]EALQLCYRHN